The following is an entry in ClinVar:

ClinVar aggregate classification (germline): Uncertain significance (1 of 4 stars; one submission).

Conditions:
Cardiovascular phenotype. Identifiers: MedGen CN230736.

Submission:

Ambry Genetics
Classification: Uncertain significance for Cardiovascular phenotype. Last evaluated: 2019-09-29. Review status: criteria provided, single submitter. Criteria: Ambry Variant Classification Scheme 2023. Collection method: clinical testing. Allele origin: germline.
Comment: The p.K125N variant (also known as c.375A>C), located in coding exon 2 of the SCN10A gene, results from an A to C substitution at nucleotide position 375. The lysine at codon 125 is replaced by asparagine, an amino acid with similar properties. This amino acid position is well conserved in available vertebrate species. In addition, the in silico prediction for this alteration is inconclusive. Since supporting evidence is limited at this time, the clinical significance of this alteration remains unclear.

NM_006514.4(SCN10A):c.375A>C (p.Lys125Asn)

Gene: SCN10A (sodium voltage-gated channel alpha subunit 10; minus strand). Cytogenetic location: 3p22.2.
Variant type: single nucleotide variant.
Coding change: c.375A>C on transcript NM_006514.4 (MANE Select); coding-DNA position 375, A replaced by C.
Protein change: p.Lys125Asn; replaces lysine 125 with asparagine.
Molecular consequence: missense variant.
Genome position (GRCh38, 1-based): chr3:38,792,064, T>G on the plus strand (A>C on the coding strand, the complement: SCN10A is on the minus strand). VCF-style: chr3-38792064-T-G. GRCh37 (hg19) VCF-style: chr3-38833555-T-G.
Other names: c.375A>C, p.Lys125Asn (NM_001293306.2, NM_001293307.2); short protein forms K125N.
Identifiers: ClinVar variation 1734626 (VCV001734626.2), dbSNP rs2470895103, ClinGen allele CA352160707.